The following is an entry in ClinVar:

ClinVar aggregate classification (germline): Benign (0 of 4 stars; one submission).

Conditions:
PHF11-related disorder. Also called: PHF11-related condition.

Allele frequency attached by ClinVar (database versions not stated): ESP Exome Variant Server 0.72305; TOPMed 0.74115; 1000 Genomes Project 0.78215; 1000 Genomes Project 30x 0.78435.
gnomAD v4.1: 1,083,321 of 1,605,470 alleles (67%); highest among the groups gnomAD compares: East Asian, 89%; 369,974 homozygotes.

Submission:

PreventionGenetics, part of Exact Sciences
Classification: Benign for PHF11-related condition. Last evaluated: 2019-10-17. Review status: no assertion criteria provided. Collection method: clinical testing. Allele origin: germline.
Comment: This variant is classified as benign based on ACMG/AMP sequence variant interpretation guidelines (Richards et al. 2015 PMID: 25741868, with internal and published modifications).

NM_001040443.3(PHF11):c.171A>G (p.Leu57=)

Genes: PHF11 (PHD finger protein 11; plus strand), SETDB2-PHF11 (SETDB2-PHF11 readthrough; plus strand). Cytogenetic location: 13q14.2.
Variant type: single nucleotide variant.
Coding change: c.171A>G on transcript NM_001040443.3 (MANE Select); coding-DNA position 171, A replaced by G.
Protein change: p.Leu57=; no amino-acid change (leucine 57 retained).
Molecular consequence: synonymous variant. On other transcripts: non-coding transcript variant (1).
Genome position (GRCh38, 1-based): chr13:49,506,711, A>G. VCF-style: chr13-49506711-A-G. GRCh37 (hg19) VCF-style: chr13-50080847-A-G.
Other names: c.1653A>G, p.Leu551= (NM_001320727.2); c.54A>G, p.Leu18= (NM_001040444.3, NM_001419873.1, NM_001419874.1 and 2 more transcripts).
Identifiers: ClinVar variation 3059044 (VCV003059044.2), dbSNP rs2031532, ClinGen allele CA6982230.